The following is an entry in ClinVar:

NM_000137.4(FAH):c.249G>A (p.Val83=)

Gene: FAH (fumarylacetoacetate hydrolase; plus strand). Cytogenetic location: 15q25.1.
Variant type: single nucleotide variant.
Coding change: c.249G>A on transcript NM_000137.4 (MANE Select); coding-DNA position 249, G replaced by A.
Protein change: p.Val83=; no amino-acid change (valine 83 retained).
Molecular consequence: synonymous variant.
Genome position (GRCh38, 1-based): chr15:80,159,812, G>A. VCF-style: chr15-80159812-G-A. GRCh37 (hg19) VCF-style: chr15-80452154-G-A.
Other names: c.249G>A, p.Val83= (NM_001374377.1, NM_001374380.1).
Identifiers: ClinVar variation 317209 (VCV000317209.18), dbSNP rs370095143, ClinGen allele CA7691063.

ClinVar aggregate classification (germline): Conflicting classifications of pathogenicity. Review status: criteria provided, conflicting classifications (1 of 4 stars). 4 submissions from 4 submitters: Uncertain significance (1); Likely benign (2). 1 of the submissions does not count toward it. Last evaluated 2026-04-09.

Conditions:
FAH-related disorder. Also called: FAH-related condition.
Tyrosinemia type I (TYRSN1). Also called: Tyrosinemia type 1; Fumarylacetoacetase deficiency; Deficiency of fumarylacetoacetase; HEPATORENAL TYROSINEMIA; FAH DEFICIENCY. Identifiers: Orphanet 882, MedGen C0268490, MONDO:0010161, OMIM 276700. Disease mechanism: loss of function.

Allele frequency attached by ClinVar (database versions not stated): gnomAD below 0.00001 and 0.00007; TOPMed 0.00002; ESP Exome Variant Server 0.00008; gnomAD exomes 0.00009 and 0.00019; ExAC 0.00022; 1000 Genomes Project 0.00060; 1000 Genomes Project 30x 0.00062.
gnomAD v4.1: 153 of 1,614,246 alleles (0.0095%); highest among the groups gnomAD compares: South Asian, 0.15%; 2 homozygotes.

Submissions (4):

PreventionGenetics, part of Exact Sciences
Classification: Likely benign for FAH-related condition. Last evaluated: 2026-04-09. Review status: criteria provided, single submitter. Criteria: ACMG Guidelines, 2015. Collection method: clinical testing. Allele origin: germline.
Comment: This variant is classified as likely benign based on ACMG/AMP sequence variant interpretation guidelines (Richards et al. 2015 PMID: 25741868, with internal and published modifications).

Labcorp Genetics (formerly Invitae), Labcorp
Classification: Likely benign for Tyrosinemia type I. Last evaluated: 2026-01-29. Review status: criteria provided, single submitter. Criteria: Invitae Variant Classification Sherloc (09022015). Collection method: clinical testing. Allele origin: germline.

Illumina Laboratory Services, Illumina
Classification: Uncertain significance for Tyrosinemia type I. Last evaluated: 2018-01-12. Review status: criteria provided, single submitter. Criteria: ICSL Variant Classification Criteria 13 December 2019. Collection method: clinical testing. Allele origin: germline.

Natera, Inc.
Classification: Likely benign for Tyrosinemia type I. Last evaluated: 2020-09-16. Review status: no assertion criteria provided. Collection method: clinical testing. Allele origin: germline. Not counted in ClinVar's aggregate classification.